The following is an entry in ClinVar:

NM_004817.4(TJP2):c.1579G>C (p.Gly527Arg)

Gene: TJP2 (tight junction protein 2; plus strand). Cytogenetic location: 9q21.11.
Variant type: single nucleotide variant.
Coding change: c.1579G>C on transcript NM_004817.4 (MANE Select); coding-DNA position 1579, G replaced by C.
Protein change: p.Gly527Arg; replaces glycine 527 with arginine.
Molecular consequence: missense variant.
Genome position (GRCh38, 1-based): chr9:69,230,140, G>C. VCF-style: chr9-69230140-G-C. GRCh37 (hg19) VCF-style: chr9-71845056-G-C.
Other names: c.1510G>C, p.Gly504Arg (NM_001170414.2, NM_001369871.1); c.1591G>C, p.Gly531Arg (NM_001170415.1, NM_001369874.1, NM_001369875.1); c.1672G>C, p.Gly558Arg (NM_001170416.2); c.1504G>C, p.Gly502Arg (NM_001369870.1); c.1579G>C, p.Gly527Arg (NM_001369872.1, NM_001369873.1, NM_201629.3); short protein forms G502R, G504R, G527R, G531R, G558R.
Identifiers: ClinVar variation 4976024 (VCV004976024.1).
Genomic context (GRCh38, chr9:69,230,140, plus strand): 5'-AGCCCTAATACCAAAATGGTAAGGTTCAAGAAGGGAGACAGCGTGGGCCTCCGGTTGGCT[G>C]GTGGCAATGATGTCGGGATATTTGTTGCTGGCATTCAAGAAGGGACCTCGGCGGAGCAGG-3'
Protein context (NP_004808.2, residues 517-537): KGDSVGLRLA[Gly527Arg]GNDVGIFVAG

ClinVar aggregate classification (germline): Uncertain significance (1 of 4 stars; one submission).

Submission:

GeneDx
Classification: Uncertain significance. Last evaluated: 2026-02-05. Review status: criteria provided, single submitter. Criteria: GeneDx Variant Classification Process June 2021. Collection method: clinical testing. Allele origin: germline.
Comment: Not observed at significant frequency in large population cohorts (gnomAD); In silico analysis supports that this missense variant has a deleterious effect on protein structure/function; Has not been previously published as pathogenic or benign to our knowledge